The following is an entry in ClinVar:

ClinVar aggregate classification (germline): Uncertain significance. Review status: criteria provided, multiple submitters, no conflicts (2 of 4 stars). 2 submissions from 2 submitters: Uncertain significance (2). Last evaluated 2024-07-30.

Conditions:
Hereditary cancer-predisposing syndrome. Also called: Neoplastic Syndromes, Hereditary; Tumor predisposition; Hereditary Cancer Syndrome; Hereditary neoplastic syndrome. Identifiers: Orphanet 140162, MedGen C0027672, MeSH D009386, MONDO:0015356.
Pheochromocytoma. Also called: MAX-Related Hereditary Paraganglioma-Pheochromocytoma Syndrome. Identifiers: Orphanet 29072, MedGen C0031511, MONDO:0008233, OMIM 171300, HP:0002666.
Carney-Stratakis syndrome. Also called: PARAGANGLIOMA AND GASTROINTESTINAL STROMAL TUMOR. Identifiers: Orphanet 97286, MedGen C1847319, MONDO:0011740, OMIM 606864.
Cowden syndrome 3 (CWS3). Identifiers: Orphanet 201, MedGen CN166604, MONDO:0014045.
Paragangliomas with sensorineural hearing loss. Identifiers: MedGen C1868633.

Submissions (2):

Labcorp Genetics (formerly Invitae), Labcorp
Classification: Uncertain significance for Carney-Stratakis syndrome; Paragangliomas with sensorineural hearing loss; Pheochromocytoma; Cowden syndrome 3. Last evaluated: 2024-07-30. Review status: criteria provided, single submitter. Criteria: Invitae Variant Classification Sherloc (09022015). Collection method: clinical testing. Allele origin: germline.
Comment: This sequence change disrupts the translational stop signal of the SDHD mRNA. It is expected to extend the length of the SDHD protein by 3 additional amino acid residues. This variant is not present in population databases (gnomAD no frequency). This variant has not been reported in the literature in individuals affected with SDHD-related conditions. ClinVar contains an entry for this variant (Variation ID: 465243). Experimental studies and prediction algorithms are not available or were not evaluated, and the functional significance of this variant is currently unknown. In summary, the available evidence is currently insufficient to determine the role of this variant in disease. Therefore, it has been classified as a Variant of Uncertain Significance.

Ambry Genetics
Classification: Uncertain significance for Hereditary cancer-predisposing syndrome. Last evaluated: 2023-06-21. Review status: criteria provided, single submitter. Criteria: Ambry Variant Classification Scheme 2023. Collection method: clinical testing. Allele origin: germline.
Comment: The p.*160Rext*3 variant (also known as c.478T>A), located in coding exon 4 of the SDHD gene, results from a T to A substitution at nucleotide position 478, which is the last nucleotide of the SDHD gene. The stop codon at position 160 is replaced by Arginine, resulting in an elongation of the protein by 3 amino acids. The exact functional effect of the additional amino acids is unknown. Since supporting evidence is limited at this time, the clinical significance of this alteration remains unclear.

NM_003002.4(SDHD):c.478T>A (p.Ter160Arg)

Gene: SDHD (succinate dehydrogenase complex subunit D; plus strand). Cytogenetic location: 11q23.1.
Variant type: single nucleotide variant.
Coding change: c.478T>A on transcript NM_003002.4 (MANE Select); coding-DNA position 478, T replaced by A.
Protein change: p.Ter160Arg.
Molecular consequence: stop lost. On other transcripts: 3 prime UTR variant (2), non-coding transcript variant (1).
Genome position (GRCh38, 1-based): chr11:112,094,968, T>A. VCF-style: chr11-112094968-T-A. GRCh37 (hg19) VCF-style: chr11-111965692-T-A.
Other names: *160R; *121R; c.478T>A (NM_003002.2); c.*75T>A (NM_001276503.2); c.361T>A, p.Ter121Arg (NM_001276504.2); c.*176T>A (NM_001276506.2).
Identifiers: ClinVar variation 465243 (VCV000465243.7), dbSNP rs1555187655, ClinGen allele CA382619604.